The following is an entry in ClinVar:

ClinVar aggregate classification (germline): Uncertain significance (1 of 4 stars; one submission).

Conditions:
Neurodevelopmental disorder with central hypotonia and dysmorphic facies (NEDCHF). Identifiers: MedGen C5676944, MONDO:0859232, OMIM 619797.

gnomAD v4.1: 13 of 1,613,762 alleles (0.00081%); highest among the groups gnomAD compares: Admixed American, 0.0017%; no homozygotes.

Submission:

Neuberg Centre For Genomic Medicine, NCGM
Classification: Uncertain significance for Neurodevelopmental disorder with central hypotonia and dysmorphic facies. Last evaluated: 2023-05-20. Review status: criteria provided, single submitter. Criteria: ACMG Guidelines, 2015. Collection method: clinical testing. Allele origin: germline. Inheritance: Autosomal dominant inheritance. Affected: yes.
Comment: The missense variant c.476G>A (p.Arg159His) in the HDAC4 gene has not been reported previously as a pathogenic variant nor as a benign variant, to our knowledge. This variant is reported with the allele frequency (0.0008%) in the gnomAD Exomes. The amino acid Arginine at position 159 is changed to a Histidine changing protein sequence and it might alter its composition and physico-chemical properties. Multiple lines of computational evidence (Polyphen - Damaging, SIFT - Damaging and MutationTaster - Disease causing) predict a damaging effect on protein structure and function for this variant. The amino acid change p.Arg465His in HDAC4 is predicted as conserved by GERP++ and PhyloP across 100 vertebrates. For these reasons, this variant has been classified as Uncertain Significance.

NM_001378414.1(HDAC4):c.1394G>A (p.Arg465His)

Gene: HDAC4 (histone deacetylase 4; minus strand). Cytogenetic location: 2q37.3.
Variant type: single nucleotide variant.
Coding change: c.1394G>A on transcript NM_001378414.1 (MANE Select); coding-DNA position 1394, G replaced by A.
Protein change: p.Arg465His; replaces arginine 465 with histidine.
Molecular consequence: missense variant.
Genome position (GRCh38, 1-based): chr2:239,126,595, C>T on the plus strand (G>A on the coding strand, the complement: HDAC4 is on the minus strand). VCF-style: chr2-239126595-C-T. GRCh37 (hg19) VCF-style: chr2-240048291-C-T.
Other names: c.1394G>A, p.Arg465His (NM_001378415.1); c.1379G>A, p.Arg460His (NM_001378416.1, NM_001378417.1, NM_006037.4); short protein forms R460H, R465H.
Identifiers: ClinVar variation 3362364 (VCV003362364.3).